The following is an entry in ClinVar:

ClinVar aggregate classification (germline): Uncertain significance (1 of 4 stars; one submission).

Conditions:
Amyotrophic lateral sclerosis type 1 (ALS1). Also called: AMYOTROPHIC LATERAL SCLEROSIS 1, FAMILIAL. Identifiers: Orphanet 803, MedGen C1862939, MONDO:0007103, OMIM 105400.

Submission:

Juno Genomics, Hangzhou Juno Genomics, Inc
Classification: Uncertain significance for Amyotrophic lateral sclerosis type 1. Review status: criteria provided, single submitter. Criteria: ACMG Guidelines, 2015. Collection method: clinical testing. Allele origin: germline. Affected: yes.
Comment: Absent from controls (or at extremely low frequency if recessive) in Genome Aggregation Database, Exome Sequencing Project, 1000 Genomes Project, or Exome Aggregation Consortium.;Multiple lines of computational evidence support a deleterious effect on the gene or gene product (conservation, evolutionary, splicing impact, etc).;Patient's phenotype or family history is highly specific for a disease with a single genetic etiology.

NM_006262.4(PRPH):c.364A>G (p.Asn122Asp)

Genes: TROAP-AS1 (TROAP and PRPH antisense RNA 1; minus strand), PRPH (peripherin; plus strand). Cytogenetic location: 12q13.12.
Variant type: single nucleotide variant.
Coding change: c.364A>G on transcript NM_006262.4 (MANE Select); coding-DNA position 364, A replaced by G.
Protein change: p.Asn122Asp; replaces asparagine 122 with aspartic acid.
Molecular consequence: missense variant. On other transcripts: non-coding transcript variant (1).
Genome position (GRCh38, 1-based): chr12:49,295,564, A>G. VCF-style: chr12-49295564-A-G. GRCh37 (hg19) VCF-style: chr12-49689347-A-G.
Other names: short protein forms N122D.
Identifiers: ClinVar variation 3382963 (VCV003382963.2).